The following is an entry in ClinVar:

ClinVar aggregate classification (germline): Uncertain significance (1 of 4 stars; one submission).

gnomAD v4.1: 1 of 1,614,034 alleles (0.000062%); highest among the groups gnomAD compares: Non-Finnish European, 0.000085%; no homozygotes.

Submission:

GeneDx
Classification: Uncertain significance. Last evaluated: 2026-03-05. Review status: criteria provided, single submitter. Criteria: GeneDx Variant Classification Process June 2021. Collection method: clinical testing. Allele origin: germline.
Comment: Not observed at significant frequency in large population cohorts (gnomAD); In silico analysis supports that this missense variant has a deleterious effect on protein structure/function; Has not been previously published as pathogenic or benign to our knowledge.

NM_001113407.3(LDB1):c.653A>G (p.Gln218Arg)

Gene: LDB1 (LIM domain binding 1; minus strand). Cytogenetic location: 10q24.32.
Variant type: single nucleotide variant.
Coding change: c.653A>G on transcript NM_001113407.3 (MANE Select); coding-DNA position 653, A replaced by G.
Protein change: p.Gln218Arg; replaces glutamine 218 with arginine.
Molecular consequence: missense variant.
Genome position (GRCh38, 1-based): chr10:102,109,679, T>C on the plus strand (A>G on the coding strand, the complement: LDB1 is on the minus strand). VCF-style: chr10-102109679-T-C. GRCh37 (hg19) VCF-style: chr10-103869436-T-C.
Other names: c.653A>G, p.Gln218Arg (NM_001321612.2); c.545A>G, p.Gln182Arg (NM_003893.5); short protein forms Q182R, Q218R.
Identifiers: ClinVar variation 5008709 (VCV005008709.1).